The following is an entry in ClinVar:

ClinVar aggregate classification (germline): Uncertain significance (1 of 4 stars; one submission).

gnomAD v4.1: 1 of 1,206,692 alleles (0.000083%); highest among the groups gnomAD compares: Admixed American, 0.0022%; no homozygotes.

Submission:

Labcorp Genetics (formerly Invitae), Labcorp
Classification: Uncertain significance. Last evaluated: 2025-11-13. Review status: criteria provided, single submitter. Criteria: Invitae Variant Classification Sherloc (09022015). Collection method: clinical testing. Allele origin: germline.
Comment: This sequence change replaces serine, which is neutral and polar, with asparagine, which is neutral and polar, at codon 1164 of the BRWD3 protein (p.Ser1164Asn). This variant is not present in population databases (gnomAD no frequency). This variant has not been reported in the literature in individuals affected with BRWD3-related conditions. Invitae Evidence Modeling of protein sequence and biophysical properties (such as structural, functional, and spatial information, amino acid conservation, physicochemical variation, residue mobility, and thermodynamic stability) indicates that this missense variant is not expected to disrupt BRWD3 protein function with a negative predictive value of 80%. In summary, the available evidence is currently insufficient to determine the role of this variant in disease. Therefore, it has been classified as a Variant of Uncertain Significance.

NM_153252.5(BRWD3):c.3491G>A (p.Ser1164Asn)

Gene: BRWD3 (bromodomain and WD repeat domain containing 3; minus strand). Cytogenetic location: Xq21.1.
Variant type: single nucleotide variant.
Coding change: c.3491G>A on transcript NM_153252.5 (MANE Select); coding-DNA position 3491, G replaced by A.
Protein change: p.Ser1164Asn; replaces serine 1164 with asparagine.
Molecular consequence: missense variant.
Genome position (GRCh38, 1-based): chrX:80,691,164, C>T on the plus strand (G>A on the coding strand, the complement: BRWD3 is on the minus strand). VCF-style: chrX-80691164-C-T. GRCh37 (hg19) VCF-style: chrX-79946663-C-T.
Other names: c.3341G>A, p.Ser1114Asn (NM_001441339.1); short protein forms S1164N, S1114N.
Identifiers: ClinVar variation 4697733 (VCV004697733.1).